The following is an entry in ClinVar:

ClinVar aggregate classification (germline): Benign/Likely benign. Review status: criteria provided, multiple submitters, no conflicts (2 of 4 stars). 5 submissions from 5 submitters: Benign (1); Likely benign (4). Last evaluated 2026-01-27.

Conditions:
Cardiomyopathy (CMYO). Also called: Cardiomyopathies. Identifiers: Orphanet 167848, MedGen C0878544, MONDO:0004994, HP:0001638. Inheritance: Various modes of inheritance.
Hypertrophic cardiomyopathy. Also called: HYPERTROPHIC MYOCARDIOPATHY. Identifiers: Orphanet 217569, MedGen C0007194, MeSH D002312, MONDO:0005045, HP:0001639.

Allele frequency attached by ClinVar (database versions not stated): gnomAD 0.00004 and 0.00008; TOPMed 0.00004; ExAC 0.00008; gnomAD exomes 0.00008 and 0.00017; 1000 Genomes Project 30x 0.00016; 1000 Genomes Project 0.00020.
gnomAD v4.1: 259 of 1,614,192 alleles (0.016%); highest among the groups gnomAD compares: East Asian, 0.55%; 1 homozygote.

Submissions (5):

Labcorp Genetics (formerly Invitae), Labcorp
Classification: Likely benign for Hypertrophic cardiomyopathy. Last evaluated: 2026-01-27. Review status: criteria provided, single submitter. Criteria: Invitae Variant Classification Sherloc (09022015). Collection method: clinical testing. Allele origin: germline.

Blueprint Genetics
Classification: Likely benign. Last evaluated: 2024-04-04. Review status: criteria provided, single submitter. Criteria: ACMG Guidelines, 2015. Collection method: clinical testing. Allele origin: germline.

All of Us Research Program, National Institutes of Health
Classification: Likely benign for Cardiomyopathy. Last evaluated: 2024-01-05. Review status: criteria provided, single submitter. Criteria: ACMG Guidelines, 2015. Collection method: clinical testing. Allele origin: germline. Inheritance: Autosomal dominant inheritance. Observed: 10 variant alleles, 10 heterozygotes.
Comment: This study involves interpretation of variants in research participants for the purpose of population health screening. Participant phenotype was not available at the time of variant classification. Additional details can be found in publication PMID: 35346344, PMCID: PMC8962531

Color Diagnostics, LLC DBA Color Health
Classification: Likely benign for Cardiomyopathy. Last evaluated: 2018-10-08. Review status: criteria provided, single submitter. Criteria: ACMG Guidelines, 2015. Collection method: clinical testing. Allele origin: germline.

GeneDx
Classification: Benign. Last evaluated: 2015-03-03. Review status: criteria provided, single submitter. Criteria: GeneDx Variant Classification Process June 2021. Collection method: clinical testing. Allele origin: germline. Affected: yes.

NM_000257.4(MYH7):c.4520-15G>A

Genes: MHRT (myosin heavy chain associated RNA transcript; plus strand), MYH7 (myosin heavy chain 7; minus strand). Cytogenetic location: 14q11.2.
Variant type: single nucleotide variant.
Coding change: c.4520-15G>A on transcript NM_000257.4 (MANE Select); 15 bases into the intron before coding-DNA position 4520, G replaced by A.
Molecular consequence: intron variant. On other transcripts: non-coding transcript variant (1).
Genome position (GRCh38, 1-based): chr14:23,417,007, C>T on the plus strand (G>A on the coding strand, the complement: MYH7 is on the minus strand). VCF-style: chr14-23417007-C-T. GRCh37 (hg19) VCF-style: chr14-23886216-C-T.
Identifiers: ClinVar variation 927400 (VCV000927400.14), dbSNP rs200886528, ClinGen allele CA042617.